The following is an entry in ClinVar:

NM_032043.3(BRIP1):c.3331G>A (p.Glu1111Lys)

Gene: BRIP1 (BRCA1 interacting DNA helicase 1; minus strand). Cytogenetic location: 17q23.2.
Variant type: single nucleotide variant.
Coding change: c.3331G>A on transcript NM_032043.3 (MANE Select); coding-DNA position 3331, G replaced by A.
Protein change: p.Glu1111Lys; replaces glutamic acid 1111 with lysine.
Molecular consequence: missense variant.
Genome position (GRCh38, 1-based): chr17:61,683,715, C>T on the plus strand (G>A on the coding strand, the complement: BRIP1 is on the minus strand). VCF-style: chr17-61683715-C-T. GRCh37 (hg19) VCF-style: chr17-59761076-C-T.
Other names: c.3331G>A (NM_032043.2); short protein forms E1111K.
Identifiers: ClinVar variation 1055460 (VCV001055460.9), dbSNP rs587780248, ClinGen allele CA400478965.

ClinVar aggregate classification (germline): Uncertain significance. Review status: criteria provided, multiple submitters, no conflicts (2 of 4 stars). 2 submissions from 2 submitters: Uncertain significance (2). Last evaluated 2022-12-01.

Conditions:
Hereditary cancer-predisposing syndrome. Also called: Hereditary Cancer Syndrome; Tumor predisposition; Hereditary neoplastic syndrome; Neoplastic Syndromes, Hereditary. Identifiers: Orphanet 140162, MedGen C0027672, MeSH D009386, MONDO:0015356.
Fanconi anemia complementation group J. Also called: BRIP1-Related Fanconi Anemia. Identifiers: Orphanet 84, MedGen C1836860, MONDO:0012187, OMIM 609054.
Familial cancer of breast. Also called: hereditary breast carcinoma; Hereditary breast cancer; BREAST CANCER, FAMILIAL. Identifiers: Orphanet 227535, MedGen C0346153, MONDO:0016419, OMIM 114480. Disease mechanism: loss of function.

Submissions (2):

Ambry Genetics
Classification: Uncertain significance for Hereditary cancer-predisposing syndrome. Last evaluated: 2022-12-01. Review status: criteria provided, single submitter. Criteria: Ambry Variant Classification Scheme 2023. Collection method: clinical testing. Allele origin: germline.
Comment: The p.E1111K variant (also known as c.3331G>A), located in coding exon 19 of the BRIP1 gene, results from a G to A substitution at nucleotide position 3331. The glutamic acid at codon 1111 is replaced by lysine, an amino acid with similar properties. This amino acid position is conserved. In addition, this alteration is predicted to be tolerated by in silico analysis. Since supporting evidence is limited at this time, the clinical significance of this alteration remains unclear.

Labcorp Genetics (formerly Invitae), Labcorp
Classification: Uncertain significance for Familial cancer of breast; Fanconi anemia complementation group J. Last evaluated: 2021-08-28. Review status: criteria provided, single submitter. Criteria: Invitae Variant Classification Sherloc (09022015). Collection method: clinical testing. Allele origin: germline.
Comment: This sequence change replaces glutamic acid with lysine at codon 1111 of the BRIP1 protein (p.Glu1111Lys). The glutamic acid residue is weakly conserved and there is a small physicochemical difference between glutamic acid and lysine. This variant is not present in population databases (ExAC no frequency). This variant has not been reported in the literature in individuals affected with BRIP1-related conditions. Algorithms developed to predict the effect of missense changes on protein structure and function (SIFT, PolyPhen-2, Align-GVGD) all suggest that this variant is likely to be tolerated. In summary, the available evidence is currently insufficient to determine the role of this variant in disease. Therefore, it has been classified as a Variant of Uncertain Significance.